The following is an entry in ClinVar:

ClinVar aggregate classification (germline): Conflicting classifications of pathogenicity. Review status: criteria provided, conflicting classifications (1 of 4 stars). 4 submissions from 4 submitters: Uncertain significance (1); Likely benign (2). 1 of the submissions does not count toward it. Last evaluated 2026-07-30.

Conditions:
TSC1-related disorder. Also called: TSC1-related condition.
Hereditary cancer-predisposing syndrome. Also called: Neoplastic Syndromes, Hereditary; Tumor predisposition; Hereditary Cancer Syndrome; Hereditary neoplastic syndrome. Identifiers: Orphanet 140162, MedGen C0027672, MeSH D009386, MONDO:0015356.

Allele frequency attached by ClinVar (database versions not stated): gnomAD exomes 0.00002; gnomAD 0.00003; TOPMed 0.00004.

Submissions (4):

PreventionGenetics, part of Exact Sciences
Classification: Likely benign for TSC1-related condition. Last evaluated: 2026-07-30. Review status: criteria provided, single submitter. Criteria: ACMG Guidelines, 2015. Collection method: clinical testing. Allele origin: germline.
Comment: This variant is classified as likely benign based on ACMG/AMP sequence variant interpretation guidelines (Richards et al. 2015 PMID: 25741868, with internal and published modifications).

Sema4
Classification: Uncertain significance for Hereditary cancer-predisposing syndrome. Last evaluated: 2021-07-18. Review status: criteria provided, single submitter. Criteria: Sema4 Curation Guidelines. Collection method: curation. Allele origin: germline.
Comment: The TSC1 c.-80-2A>G variant has been reported in 1 individual from an ancestrally diverse healthy population (PMID 24728327). This variant was observed in 2/15398 chromosomes in the Non-Finnish European subpopulation, according to the Genome Aggregation Database (PMID: 32461654). This variant has been reported in ClinVar (Variation ID 133422). In silico tools that predict the effect of sequence changes on splicing suggest that this variant may impact splicing, however, this variant affects the acceptor site of first coding exon. In the absence of functional studies, the actual effect of this sequence change on RNA splicing is unknown. The overall evidence is insufficient to meet ACMG/AMP criteria for classifying it as benign or pathogenic. In summary, the clinical significance of this variant is currently uncertain.

GeneDx
Classification: Likely benign. Last evaluated: 2020-07-13. Review status: criteria provided, single submitter. Criteria: GeneDx Variant Classification Process June 2021. Collection method: clinical testing. Allele origin: germline. Affected: yes.
Comment: This variant is associated with the following publications: (PMID: 24728327)

ITMI
No classification provided. Condition: AllHighlyPenetrant. Last evaluated: 2013-09-19. Review status: no classification provided. Collection method: reference population. Allele origin: germline. Not counted in ClinVar's aggregate classification.
Comment: Please see associated publication for description of ethnicities

Literature cited by the submitters: PubMed 24728327 (cited by Sema4 and ITMI).

NM_000368.5(TSC1):c.-80-2A>G

Gene: TSC1 (TSC complex subunit 1; minus strand). Cytogenetic location: 9q34.13.
Variant type: single nucleotide variant.
Coding change: c.-80-2A>G on transcript NM_000368.5 (MANE Select); the canonical splice acceptor site of the intron before 80 bases upstream of the start codon, A replaced by G.
Molecular consequence: splice acceptor variant. On other transcripts: intron variant (2).
Genome position (GRCh38, 1-based): chr9:132,928,954, T>C on the plus strand (A>G on the coding strand, the complement: TSC1 is on the minus strand). VCF-style: chr9-132928954-T-C. GRCh37 (hg19) VCF-style: chr9-135804341-T-C.
Other names: c.-80-2A>G (NM_001406609.1, NM_001406597.1, NM_001406602.1 and 21 more transcripts); c.-339-2A>G (NM_001406619.1, NM_001406622.1, NM_001362177.2 and 3 more transcripts); c.-431-2A>G (NM_001406614.1); c.-957-2A>G (NM_001406628.1, NM_001406626.1, NM_001406627.1); c.-1173-2A>G (NM_001406630.1); c.-535-2A>G (NM_001406624.1, NM_001406616.1); c.-568-2A>G (NM_001406623.1, NM_001406615.1); c.-153-3215A>G (NM_001406620.1, NM_001406618.1); and 1 more.
Identifiers: ClinVar variation 133422 (VCV000133422.6), dbSNP rs587778003, ClinGen allele CA008218.